The following is an entry in ClinVar:

NM_001267550.2(TTN):c.45617-5T>C

Gene: TTN (titin; minus strand). Cytogenetic location: 2q31.2.
Variant type: single nucleotide variant.
Coding change: c.45617-5T>C on transcript NM_001267550.2 (MANE Select); 5 bases into the intron before coding-DNA position 45617, T replaced by C.
Molecular consequence: intron variant.
Genome position (GRCh38, 1-based): chr2:178,620,998, A>G on the plus strand (T>C on the coding strand, the complement: TTN is on the minus strand). VCF-style: chr2-178620998-A-G. GRCh37 (hg19) VCF-style: chr2-179485725-A-G.
Other names: c.18422-5T>C (NM_003319.4); c.18998-5T>C (NM_133437.4); c.18797-5T>C (NM_133432.3); c.37913-5T>C (NM_133378.4); c.40694-5T>C (NM_001256850.1).
Identifiers: ClinVar variation 2451883 (VCV002451883.2), dbSNP rs2471025411, ClinGen allele CA2580065041.

ClinVar aggregate classification (germline): Uncertain significance (1 of 4 stars; one submission).

Conditions:
Cardiovascular phenotype. Identifiers: MedGen CN230736.

Submission:

Ambry Genetics
Classification: Uncertain significance for Cardiovascular phenotype. Last evaluated: 2023-01-03. Review status: criteria provided, single submitter. Criteria: Ambry Variant Classification Scheme 2023. Collection method: clinical testing. Allele origin: germline.
Comment: The c.18422-5T>C intronic variant results from a T to C substitution 5 nucleotides upstream from coding exon 74 in the TTN gene. This nucleotide position is highly conserved in available vertebrate species. In silico splice site analysis for this alteration is inconclusive. Since supporting evidence is limited at this time, the clinical significance of this alteration remains unclear.